The following is an entry in ClinVar:

NM_004380.3(CREBBP):c.4822C>A (p.Pro1608Thr)

Gene: CREBBP (CREB binding lysine acetyltransferase; minus strand). Cytogenetic location: 16p13.3.
Variant type: single nucleotide variant.
Coding change: c.4822C>A on transcript NM_004380.3 (MANE Select); coding-DNA position 4822, C replaced by A.
Protein change: p.Pro1608Thr; replaces proline 1608 with threonine.
Molecular consequence: missense variant.
Genome position (GRCh38, 1-based): chr16:3,731,844, G>T on the plus strand (C>A on the coding strand, the complement: CREBBP is on the minus strand). VCF-style: chr16-3731844-G-T. GRCh37 (hg19) VCF-style: chr16-3781845-G-T.
Other names: c.4708C>A, p.Pro1570Thr (NM_001079846.1); short protein forms P1608T, P1570T.
Identifiers: ClinVar variation 95050 (VCV000095050.44), dbSNP rs73491901, ClinGen allele CA148126.

ClinVar aggregate classification (germline): Benign/Likely benign. Review status: criteria provided, multiple submitters, no conflicts (2 of 4 stars). 7 submissions from 7 submitters: Benign (4); Likely benign (3). Last evaluated 2025-12-06.

Conditions:
Menke-Hennekam syndrome 1 (MKHK1). Identifiers: MedGen C5193034, MONDO:0020763, OMIM 618332.
Rubinstein-Taybi syndrome due to CREBBP mutations (RSTS1). Also called: RUBINSTEIN-TAYBI SYNDROME 1, INCOMPLETE; RUBINSTEIN SYNDROME; CREBBP-Related Rubinstein-Taybi Syndrome; BROAD THUMB-HALLUX SYNDROME; Rubinstein-Taybi syndrome 1; BROAD THUMBS AND GREAT TOES, CHARACTERISTIC FACIES, AND IMPAIRED INTELLECTUAL DEVELOPMENT. Identifiers: Orphanet 353277, Orphanet 783, MedGen C4551859, MONDO:0008393, OMIM 180849.
Inborn genetic diseases. Identifiers: MedGen C0950123, MeSH D030342.
Rubinstein-Taybi syndrome (RSTS). Identifiers: Orphanet 783, MedGen C0035934, MONDO:0019188.

Allele frequency attached by ClinVar (database versions not stated): gnomAD exomes 0.00018 and 0.00040; ExAC 0.00049; 1000 Genomes Project 0.00140; TOPMed 0.00195; gnomAD 0.00202 and 0.00217; 1000 Genomes Project 30x 0.00203; ESP Exome Variant Server 0.00246.
gnomAD v4.1: 570 of 1,614,260 alleles (0.035%); highest among the groups gnomAD compares: African/African-American, 0.68%; no homozygotes.

Submissions (7):

Labcorp Genetics (formerly Invitae), Labcorp
Classification: Benign for Rubinstein-Taybi syndrome. Last evaluated: 2025-12-06. Review status: criteria provided, single submitter. Criteria: Invitae Variant Classification Sherloc (09022015). Collection method: clinical testing. Allele origin: germline.

CeGaT Center for Human Genetics Tuebingen
Classification: Likely benign. Last evaluated: 2024-11-01. Review status: criteria provided, single submitter. Criteria: CeGaT Center For Human Genetics Tuebingen Variant Classification Criteria Version 2. Collection method: clinical testing. Allele origin: germline. Affected: yes. Observed: 5 variant alleles.
Comment: CREBBP: PP2, BS1

Blueprint Genetics
Classification: Likely benign. Last evaluated: 2024-10-17. Review status: criteria provided, single submitter. Criteria: ACMG Guidelines, 2015. Collection method: clinical testing. Allele origin: germline.

Fulgent Genetics
Classification: Likely benign for Rubinstein-Taybi syndrome due to CREBBP mutations; Menke-Hennekam syndrome 1. Last evaluated: 2021-10-18. Review status: criteria provided, single submitter. Criteria: ACMG Guidelines, 2015. Collection method: clinical testing. Allele origin: unknown.

GeneDx
Classification: Benign. Last evaluated: 2020-02-03. Review status: criteria provided, single submitter. Criteria: GeneDx Variant Classification Process June 2021. Collection method: clinical testing. Allele origin: germline. Affected: yes.

Ambry Genetics
Classification: Benign for Inborn genetic diseases. Last evaluated: 2019-04-05. Review status: criteria provided, single submitter. Criteria: Ambry Variant Classification Scheme 2023. Collection method: clinical testing. Allele origin: germline.

Eurofins Ntd Llc (ga)
Classification: Benign. Last evaluated: 2013-03-18. Review status: criteria provided, single submitter. Criteria: EGL Classification Definitions 2015. Collection method: clinical testing. Allele origin: germline. Observed: 2 variant alleles, 2 heterozygotes.